The following is an entry in ClinVar:

ClinVar aggregate classification (germline): Uncertain significance (1 of 4 stars; one submission).

Conditions:
Familial intrahepatic cholestasis. Identifiers: Orphanet 284385, MedGen CN296401, MONDO:0017290.

Submission:

Genomenon, Inc
Classification: Uncertain significance for Familial intrahepatic cholestasis. Last evaluated: 2026-04-14. Review status: criteria provided, single submitter. Criteria: Genomenon Sequence Variant Interpretation Standards - Updated. Collection method: curation. Allele origin: germline. Affected: yes.
Comment: ABCB11 p.Tyr1311Ter (c.3933C>G) is a nonsense variant that introduces a premature stop codon at amino acid position 1311, creating a truncated protein. This variant has been observed in at least one proband with an ABCB11-related disorder (PMID:34828443). It is absent or not present at a significant frequency in gnomAD. In conclusion, we classify ABCB11 p.Tyr1311Ter (c.3933C>G) as a variant of uncertain significance.

Literature cited by the submitters: PubMed 34828443.

NM_003742.4(ABCB11):c.3933C>G (p.Tyr1311Ter)

Gene: ABCB11 (ATP binding cassette subfamily B member 11; minus strand). Cytogenetic location: 2q31.1.
Variant type: single nucleotide variant.
Coding change: c.3933C>G on transcript NM_003742.4 (MANE Select); coding-DNA position 3933, C replaced by G.
Protein change: p.Tyr1311Ter; replaces tyrosine 1311 with a stop codon.
Molecular consequence: nonsense.
Genome position (GRCh38, 1-based): chr2:168,923,655, G>C on the plus strand (C>G on the coding strand, the complement: ABCB11 is on the minus strand). VCF-style: chr2-168923655-G-C. GRCh37 (hg19) VCF-style: chr2-169780165-G-C.
Other names: short protein forms Y1311*.
Identifiers: ClinVar variation 4846225 (VCV004846225.1).
Genomic context (GRCh38, chr2:168,923,655, plus strand): 5'-ATGTGTGTCTGAGATTCTTGCATTGGGTCAACTGATGGGGGATCCAGTGGTGACTAGTTT[G>C]TAGTAGGCTCCTTTTTGGGCCATCAGTTCTTCATGGGTCCCCTTTTCAATCACCACCCCC-3'